The following is an entry in ClinVar:

NM_001098.3(ACO2):c.1986C>T (p.Asp662=)

Genes: ACO2 (aconitase 2; plus strand), POLR3H (RNA polymerase III subunit H; minus strand). Cytogenetic location: 22q13.2.
Variant type: single nucleotide variant.
Coding change: c.1986C>T on transcript NM_001098.3 (MANE Select); coding-DNA position 1986, C replaced by T.
Protein change: p.Asp662=; no amino-acid change (aspartic acid 662 retained).
Molecular consequence: synonymous variant. On other transcripts: 3 prime UTR variant (5).
Genome position (GRCh38, 1-based): chr22:41,527,320, C>T. VCF-style: chr22-41527320-C-T. GRCh37 (hg19) VCF-style: chr22-41923324-C-T.
Other names: c.*1963G>A (NM_001018050.4, NM_001018052.4, NM_001282884.2 and 2 more transcripts).
Identifiers: ClinVar variation 748700 (VCV000748700.37), dbSNP rs760073057, ClinGen allele CA10257851.
Genomic context (GRCh38, chr22:41,527,320, plus strand): 5'-TATAACCTTACCCCCGCTTGCCTGACAGAAACATGGCATCAGGTGGGTGGTGATCGGAGA[C>T]GAGAACTACGGCGAGGGCTCGAGCCGGGAGCATGCAGCTCTGGAGCCTCGCCACCTTGGG-3'
Protein context (NP_001089.1, residues 652-672): KHGIRWVVIG[Asp662=]ENYGEGSSRE

ClinVar aggregate classification (germline): Likely benign. Review status: criteria provided, multiple submitters, no conflicts (2 of 4 stars). 5 submissions from 5 submitters: Likely benign (3). 2 of the submissions do not count toward it. Last evaluated 2025-05-12.

Allele frequency attached by ClinVar (database versions not stated): TOPMed 0.00002.
gnomAD v4.1: 82 of 1,614,130 alleles (0.0051%); highest among the groups gnomAD compares: Middle Eastern, 0.05%; no homozygotes.

Submissions (5):

Labcorp Genetics (formerly Invitae), Labcorp
Classification: Likely benign. Last evaluated: 2025-05-12. Review status: criteria provided, single submitter. Criteria: Invitae Variant Classification Sherloc (09022015). Collection method: clinical testing. Allele origin: germline.

CeGaT Center for Human Genetics Tuebingen
Classification: Likely benign. Last evaluated: 2025-03-01. Review status: criteria provided, single submitter. Criteria: CeGaT Center For Human Genetics Tuebingen Variant Classification Criteria Version 2. Collection method: clinical testing. Allele origin: germline. Affected: yes. Observed: 2 variant alleles.
Comment: ACO2: BP4, BP7

Blueprint Genetics
Classification: Likely benign. Last evaluated: 2024-11-01. Review status: criteria provided, single submitter. Criteria: ACMG Guidelines, 2015. Collection method: clinical testing. Allele origin: germline.

Clinical Genetics DNA and cytogenetics Diagnostics Lab, Erasmus MC, Erasmus Medical Center
Classification: Likely benign. Review status: no assertion criteria provided. Collection method: clinical testing. Allele origin: germline. Affected: yes. Study: VKGL Data-share Consensus. Not counted in ClinVar's aggregate classification.

Clinical Genetics, Academic Medical Center
Classification: Likely benign. Review status: no assertion criteria provided. Collection method: clinical testing. Allele origin: germline. Affected: yes. Study: VKGL Data-share Consensus. Not counted in ClinVar's aggregate classification.